The following is an entry in ClinVar:

ClinVar aggregate classification (germline): Uncertain significance. Review status: criteria provided, multiple submitters, no conflicts (2 of 4 stars). 8 submissions from 8 submitters: Uncertain significance (8). Last evaluated 2026-05-07.

Conditions:
MYPN-related disorder. Also called: MYPN-related condition.
Cardiovascular phenotype. Identifiers: MedGen CN230736.
Dilated cardiomyopathy 1KK (CMD1KK). Identifiers: Orphanet 154, Orphanet 75249, MedGen C3714995, MONDO:0014100, OMIM 615248.

Allele frequency attached by ClinVar (database versions not stated): ExAC 0.00002; TOPMed 0.00002; gnomAD 0.00003; ESP Exome Variant Server 0.00008.
gnomAD v4.1: 79 of 1,613,988 alleles (0.0049%); highest among the groups gnomAD compares: Admixed American, 0.045%; no homozygotes.

Submissions (8):

PreventionGenetics, part of Exact Sciences
Classification: Uncertain significance for MYPN-related condition. Last evaluated: 2026-05-07. Review status: criteria provided, single submitter. Criteria: ACMG Guidelines, 2015. Collection method: clinical testing. Allele origin: germline.
Comment: The MYPN c.1013G>A variant is predicted to result in the amino acid substitution p.Arg338His. To our knowledge, this variant has not been reported in the literature. Of note, a different missense variant affecting the same amino acid (p.Arg338Cys) has been reported in a patient with hypertrophic cardiomyopathy; however, its pathogenicity was not determined (Micheu et al. 2020. PubMed ID: 33297573). This variant is reported in 0.017% of alleles in individuals of Latino descent in gnomAD. At this time, the clinical significance of this variant is uncertain due to the absence of conclusive functional and genetic evidence.

Ambry Genetics
Classification: Uncertain significance for Cardiovascular phenotype. Last evaluated: 2025-03-31. Review status: criteria provided, single submitter. Criteria: Ambry Variant Classification Scheme 2023. Collection method: clinical testing. Allele origin: germline.
Comment: The p.R338H variant (also known as c.1013G>A), located in coding exon 2 of the MYPN gene, results from a G to A substitution at nucleotide position 1013. The arginine at codon 338 is replaced by histidine, an amino acid with highly similar properties. This amino acid position is highly conserved in available vertebrate species. In addition, the in silico prediction for this alteration is inconclusive. Since supporting evidence is limited at this time, the clinical significance of this alteration remains unclear.

Revvity Omics, Revvity
Classification: Uncertain significance. Last evaluated: 2024-07-04. Review status: criteria provided, single submitter. Criteria: ACMG Guidelines, 2015. Collection method: clinical testing. Allele origin: germline.

Women's Health and Genetics/Laboratory Corporation of America, LabCorp
Classification: Uncertain significance. Last evaluated: 2023-08-19. Review status: criteria provided, single submitter. Criteria: LabCorp Variant Classification Summary - May 2015. Collection method: clinical testing. Allele origin: germline.

GeneDx
Classification: Uncertain significance. Last evaluated: 2023-02-28. Review status: criteria provided, single submitter. Criteria: GeneDx Variant Classification Process June 2021. Collection method: clinical testing. Allele origin: germline. Affected: yes.
Comment: Has not been previously published as pathogenic or benign to our knowledge; In silico analysis supports that this missense variant has a deleterious effect on protein structure/function

Labcorp Genetics (formerly Invitae), Labcorp
Classification: Uncertain significance for Dilated cardiomyopathy 1KK. Last evaluated: 2022-06-05. Review status: criteria provided, single submitter. Criteria: Invitae Variant Classification Sherloc (09022015). Collection method: clinical testing. Allele origin: germline.
Comment: This sequence change replaces arginine, which is basic and polar, with histidine, which is basic and polar, at codon 338 of the MYPN protein (p.Arg338His). This variant is present in population databases (rs149852773, gnomAD 0.01%). This variant has not been reported in the literature in individuals affected with MYPN-related conditions. ClinVar contains an entry for this variant (Variation ID: 424342). Algorithms developed to predict the effect of missense changes on protein structure and function are either unavailable or do not agree on the potential impact of this missense change (SIFT: "Tolerated"; PolyPhen-2: "Probably Damaging"; Align-GVGD: "Class C0"). In summary, the available evidence is currently insufficient to determine the role of this variant in disease. Therefore, it has been classified as a Variant of Uncertain Significance.

AiLife Diagnostics
Classification: Uncertain significance. Last evaluated: 2020-06-04. Review status: criteria provided, single submitter. Criteria: ACMG Guidelines, 2015. Collection method: clinical testing. Allele origin: germline. Affected: yes. Observed: 1 variant allele.

CeGaT Center for Human Genetics Tuebingen
Classification: Uncertain significance. Last evaluated: 2019-05-01. Review status: criteria provided, single submitter. Criteria: CeGaT Center For Human Genetics Tuebingen Variant Classification Criteria Version 2. Collection method: clinical testing. Allele origin: germline. Affected: yes. Observed: 1 variant allele.

NM_032578.4(MYPN):c.1013G>A (p.Arg338His)

Gene: MYPN (myopalladin; plus strand). Cytogenetic location: 10q21.3.
Variant type: single nucleotide variant.
Coding change: c.1013G>A on transcript NM_032578.4 (MANE Select); coding-DNA position 1013, G replaced by A.
Protein change: p.Arg338His; replaces arginine 338 with histidine.
Molecular consequence: missense variant. On other transcripts: non-coding transcript variant (2).
Genome position (GRCh38, 1-based): chr10:68,143,050, G>A. VCF-style: chr10-68143050-G-A. GRCh37 (hg19) VCF-style: chr10-69902807-G-A.
Other names: c.1013G>A, p.Arg338His (NM_001256267.2); c.131G>A, p.Arg44His (NM_001256268.2); short protein forms R338H, R44H.
Identifiers: ClinVar variation 424342 (VCV000424342.56), dbSNP rs149852773, ClinGen allele CA5522397.
Genomic context (GRCh38, chr10:68,143,050, plus strand): 5'-TCCAGGCAGGAAATCTGCACTCACTGACCATTGCGGAAGCCTTTGAAGAGGACACAGGAC[G>A]CTATTCCTGCTTTGCTTCTAACATCTATGGGACAGATTCGACTTCTGCTGAGATTTATAT-3'
Protein context (NP_115967.2, residues 328-348): IAEAFEEDTG[Arg338His]YSCFASNIYG